The following is an entry in ClinVar:

NM_006767.4(LZTR1):c.320+2T>C

Gene: LZTR1 (leucine zipper like post translational regulator 1; plus strand). Cytogenetic location: 22q11.21.
Variant type: single nucleotide variant.
Coding change: c.320+2T>C on transcript NM_006767.4 (MANE Select); the canonical splice donor site of the intron after coding-DNA position 320, T replaced by C.
Molecular consequence: splice donor variant.
Genome position (GRCh38, 1-based): chr22:20,985,899, T>C. VCF-style: chr22-20985899-T-C. GRCh37 (hg19) VCF-style: chr22-21340188-T-C.
Identifiers: ClinVar variation 3340398 (VCV003340398.2).

ClinVar aggregate classification (germline): Likely pathogenic. Review status: criteria provided, multiple submitters, no conflicts (2 of 4 stars). 2 submissions from 2 submitters: Likely pathogenic (2). Last evaluated 2024-03-05.

Conditions:
Pediatric high-grade glioma. Identifiers: MedGen C5908419, MONDO:1010030.

Submissions (2):

GeneDx
Classification: Likely pathogenic. Last evaluated: 2024-03-05. Review status: criteria provided, single submitter. Criteria: GeneDx Variant Classification Process June 2021. Collection method: clinical testing. Allele origin: germline. Affected: yes.
Comment: Canonical splice site variant predicted to result in an in-frame loss of the adjacent exon in a gene for which loss of function is a known mechanism of disease; Not observed at significant frequency in large population cohorts (gnomAD); This variant is associated with the following publications: (PMID: 28365909)

Laboratory of Medical Genetics Unit, Bambino Gesù Children's Hospital
Classification: Likely pathogenic for Pediatric high-grade glioma. Last evaluated: 2023-03-05. Review status: criteria provided, single submitter. Criteria: ACMG Guidelines, 2015. Collection method: research. Allele origin: germline. Affected: yes. Observed: 1 heterozygote.